The following is an entry in ClinVar:

NM_001384140.1(PCDH15):c.2251C>T (p.Gln751Ter)

Gene: PCDH15 (protocadherin related 15; minus strand). Cytogenetic location: 10q21.1.
Variant type: single nucleotide variant.
Coding change: c.2251C>T on transcript NM_001384140.1 (MANE Select); coding-DNA position 2251, C replaced by T.
Protein change: p.Gln751Ter; replaces glutamine 751 with a stop codon.
Molecular consequence: nonsense.
Genome position (GRCh38, 1-based): chr10:54,023,167, G>A on the plus strand (C>T on the coding strand, the complement: PCDH15 is on the minus strand). VCF-style: chr10-54023167-G-A. GRCh37 (hg19) VCF-style: chr10-55782927-G-A.
Other names: c.2266C>T, p.Gln756Ter (NM_001142763.2, NM_001142771.2); c.2251C>T, p.Gln751Ter (NM_001142764.2, NM_001142766.2, NM_001142770.3 and 5 more transcripts); c.2038C>T, p.Gln680Ter (NM_001142765.2); c.2140C>T, p.Gln714Ter (NM_001142767.2); c.2185C>T, p.Gln729Ter (NM_001142768.2, NM_001142773.2, NM_001354404.2); c.2287C>T, p.Gln763Ter (NM_001142769.4); c.2272C>T, p.Gln758Ter (NM_001354411.2); short protein forms Q680*, Q714*, Q729*, Q751*, Q756*, Q758*, Q763*.
Identifiers: ClinVar variation 4816362 (VCV004816362.1).

ClinVar aggregate classification (germline): Likely pathogenic (1 of 4 stars; one submission).

Conditions:
Usher syndrome type 1F (USH1F). Also called: USHER SYNDROME, TYPE IF. Identifiers: Orphanet 231169, Orphanet 886, MedGen C1865885, MONDO:0011186, OMIM 602083.

Submission:

Natera, Inc.
Classification: Likely pathogenic for Usher syndrome type 1F. Last evaluated: 2024-09-09. Review status: criteria provided, single submitter. Criteria: Natera Variant Classification Schema (03/2026). Collection method: clinical testing. Allele origin: germline.
Comment: The c.2251C>T variant in PCDH15 is a nonsense variant predicted to introduce a stop codon at amino acid 751. This variant is expected to result in nonsense mediated decay, truncation, or a dysfunctional protein product. This variant is rare in the general population with a frequency below the threshold expected for the associated phenotype(s). Given the available evidence, this variant is classified as Likely Pathogenic.